The following is an entry in ClinVar:

NM_001768.7(CD8A):c.49+3G>A

Gene: CD8A (CD8 subunit alpha; minus strand). Cytogenetic location: 2p11.2.
Variant type: single nucleotide variant.
Coding change: c.49+3G>A on transcript NM_001768.7 (MANE Select); 3 bases into the intron after coding-DNA position 49, G replaced by A.
Molecular consequence: intron variant.
Genome position (GRCh38, 1-based): chr2:86,790,774, C>T on the plus strand (G>A on the coding strand, the complement: CD8A is on the minus strand). VCF-style: chr2-86790774-C-T. GRCh37 (hg19) VCF-style: chr2-87017897-C-T.
Other names: c.49+3G>A (NM_001145873.1, NM_001382698.1, NM_171827.4).
Identifiers: ClinVar variation 1947714 (VCV001947714.5), dbSNP rs1256603288, ClinGen allele CA534629763.

ClinVar aggregate classification (germline): Uncertain significance (1 of 4 stars; one submission).

Conditions:
Susceptibility to respiratory infections associated with CD8alpha chain mutation (IMD116). Also called: Cd8 deficiency, familial; IMMUNODEFICIENCY 116. Identifiers: Orphanet 169085, MedGen C1837065, MONDO:0012161, OMIM 608957.

Submission:

Labcorp Genetics (formerly Invitae), Labcorp
Classification: Uncertain significance for Susceptibility to respiratory infections associated with CD8alpha chain mutation. Last evaluated: 2022-08-15. Review status: criteria provided, single submitter. Criteria: Invitae Variant Classification Sherloc (09022015). Collection method: clinical testing. Allele origin: germline.
Comment: In summary, the available evidence is currently insufficient to determine the role of this variant in disease. Therefore, it has been classified as a Variant of Uncertain Significance. Variants that disrupt the consensus splice site are a relatively common cause of aberrant splicing (PMID: 17576681, 9536098). Algorithms developed to predict the effect of sequence changes on RNA splicing suggest that this variant is not likely to affect RNA splicing. This variant has not been reported in the literature in individuals affected with CD8A-related conditions. This variant is not present in population databases (gnomAD no frequency). This sequence change falls in intron 1 of the CD8A gene. It does not directly change the encoded amino acid sequence of the CD8A protein. It affects a nucleotide within the consensus splice site.

Literature cited by the submitters: PubMed 17576681; PubMed 9536098.